The following is an entry in ClinVar:

NM_006509.4(RELB):c.1231C>T (p.Arg411Trp)

Gene: RELB (RELB proto-oncogene, NF-kB subunit; plus strand). Cytogenetic location: 19q13.32.
Variant type: single nucleotide variant.
Coding change: c.1231C>T on transcript NM_006509.4 (MANE Select); coding-DNA position 1231, C replaced by T.
Protein change: p.Arg411Trp; replaces arginine 411 with tryptophan.
Molecular consequence: missense variant.
Genome position (GRCh38, 1-based): chr19:45,034,267, C>T. VCF-style: chr19-45034267-C-T. GRCh37 (hg19) VCF-style: chr19-45537525-C-T.
Other names: c.1222C>T, p.Arg408Trp (NM_001411087.1); short protein forms R408W, R411W.
Identifiers: ClinVar variation 2991154 (VCV002991154.3), dbSNP rs1213218534, ClinGen allele CA406306784.

ClinVar aggregate classification (germline): Uncertain significance (1 of 4 stars; one submission).

Allele frequency attached by ClinVar (database versions not stated): gnomAD 0.00001; gnomAD exomes 0.00001.
gnomAD v4.1: 21 of 1,613,802 alleles (0.0013%); highest among the groups gnomAD compares: East Asian, 0.0022%; no homozygotes.

Submission:

Labcorp Genetics (formerly Invitae), Labcorp
Classification: Uncertain significance. Last evaluated: 2023-12-01. Review status: criteria provided, single submitter. Criteria: Invitae Variant Classification Sherloc (09022015). Collection method: clinical testing. Allele origin: germline.
Comment: This sequence change replaces arginine, which is basic and polar, with tryptophan, which is neutral and slightly polar, at codon 411 of the RELB protein (p.Arg411Trp). This variant is present in population databases (no rsID available, gnomAD 0.003%). This variant has not been reported in the literature in individuals affected with RELB-related conditions. An algorithm developed to predict the effect of missense changes on protein structure and function (PolyPhen-2) suggests that this variant is likely to be disruptive. In summary, the available evidence is currently insufficient to determine the role of this variant in disease. Therefore, it has been classified as a Variant of Uncertain Significance.